The following is an entry in ClinVar:

NM_002317.7(LOX):c.1221G>A (p.Ala407=)

Genes: LOX (lysyl oxidase; minus strand), SRFBP1 (serum response factor binding protein 1; plus strand). Cytogenetic location: 5q23.1.
Variant type: single nucleotide variant.
Coding change: c.1221G>A on transcript NM_002317.7 (MANE Select); coding-DNA position 1221, G replaced by A.
Protein change: p.Ala407=; no amino-acid change (alanine 407 retained).
Molecular consequence: synonymous variant.
Genome position (GRCh38, 1-based): chr5:122,070,079, C>T on the plus strand (G>A on the coding strand, the complement: LOX is on the minus strand). VCF-style: chr5-122070079-C-T. GRCh37 (hg19) VCF-style: chr5-121405774-C-T.
Other names: c.1221G>A (NM_002317.6); c.531G>A, p.Ala177= (NM_001178102.2); c.330G>A, p.Ala110= (NM_001317073.1).
Identifiers: ClinVar variation 1753246 (VCV001753246.5), dbSNP rs61749623, ClinGen allele CA3383814.

ClinVar aggregate classification (germline): Likely benign. Review status: criteria provided, multiple submitters, no conflicts (2 of 4 stars). 3 submissions from 3 submitters: Likely benign (2). 1 of the submissions does not count toward it. Last evaluated 2025-10-08.

Conditions:
LOX-related disorder. Also called: LOX-related condition; LOX-related disorders.
Cardiovascular phenotype. Identifiers: MedGen CN230736.

Allele frequency attached by ClinVar (database versions not stated): gnomAD exomes 0.00001; ExAC 0.00002.
gnomAD v4.1: 13 of 1,612,078 alleles (0.00081%); highest among the groups gnomAD compares: Middle Eastern, 0.066%; no homozygotes.

Submissions (3):

Labcorp Genetics (formerly Invitae), Labcorp
Classification: Likely benign. Last evaluated: 2025-10-08. Review status: criteria provided, single submitter. Criteria: Invitae Variant Classification Sherloc (09022015). Collection method: clinical testing. Allele origin: germline.

Ambry Genetics
Classification: Likely benign for Cardiovascular phenotype. Last evaluated: 2021-11-04. Review status: criteria provided, single submitter. Criteria: Ambry Variant Classification Scheme 2023. Collection method: clinical testing. Allele origin: germline.

PreventionGenetics, part of Exact Sciences
Classification: Likely benign for LOX-related condition. Last evaluated: 2021-11-09. Review status: no assertion criteria provided. Collection method: clinical testing. Allele origin: germline. Not counted in ClinVar's aggregate classification.
Comment: This variant is classified as likely benign based on ACMG/AMP sequence variant interpretation guidelines (Richards et al. 2015 PMID: 25741868, with internal and published modifications).